The following is an entry in ClinVar:

ClinVar aggregate classification (germline): Uncertain significance. Review status: criteria provided, multiple submitters, no conflicts (2 of 4 stars). 4 submissions from 4 submitters: Uncertain significance (4). Last evaluated 2026-03-19.

Conditions:
Hereditary diffuse gastric adenocarcinoma (HDGC). Also called: DIFFUSE GASTRIC AND LOBULAR BREAST CANCER SYNDROME. Identifiers: Orphanet 26106, MedGen C1708349, MONDO:0007648, OMIM 137215.
Hereditary cancer-predisposing syndrome. Also called: Neoplastic Syndromes, Hereditary; Hereditary Cancer Syndrome; Tumor predisposition; Hereditary neoplastic syndrome. Identifiers: Orphanet 140162, MedGen C0027672, MeSH D009386, MONDO:0015356.

Allele frequency attached by ClinVar (database versions not stated): gnomAD 0.00001.
gnomAD v4.1: 1 of 1,613,966 alleles (0.000062%); highest among the groups gnomAD compares: Non-Finnish European, 0.000085%; no homozygotes.

Submissions (4):

Ambry Genetics
Classification: Uncertain significance for Hereditary cancer-predisposing syndrome. Last evaluated: 2026-03-19. Review status: criteria provided, single submitter. Criteria: Ambry Variant Classification Scheme 2023. Collection method: clinical testing. Allele origin: germline.

Labcorp Genetics (formerly Invitae), Labcorp
Classification: Uncertain significance for Hereditary diffuse gastric adenocarcinoma. Last evaluated: 2025-06-16. Review status: criteria provided, single submitter. Criteria: Invitae Variant Classification Sherloc (09022015). Collection method: clinical testing. Allele origin: germline.
Comment: This sequence change replaces aspartic acid, which is acidic and polar, with asparagine, which is neutral and polar, at codon 549 of the CDH1 protein (p.Asp549Asn). This variant is not present in population databases (gnomAD no frequency). This variant has not been reported in the literature in individuals affected with CDH1-related conditions. ClinVar contains an entry for this variant (Variation ID: 232054). An algorithm developed to predict the effect of missense changes on protein structure and function (PolyPhen-2) suggests that this variant is likely to be disruptive. In summary, the available evidence is currently insufficient to determine the role of this variant in disease. Therefore, it has been classified as a Variant of Uncertain Significance.

Color Diagnostics, LLC DBA Color Health
Classification: Uncertain significance for Hereditary cancer-predisposing syndrome. Last evaluated: 2023-12-05. Review status: criteria provided, single submitter. Criteria: ACMG Guidelines, 2015. Collection method: clinical testing. Allele origin: germline.
Comment: This missense variant replaces aspartic acid with asparagine at codon 549 of the CDH1 protein. To our knowledge, functional studies have not been reported for this variant. This variant has not been reported in individuals affected with CDH1-related disorders in the literature. This variant has not been identified in the general population by the Genome Aggregation Database (gnomAD). The available evidence is insufficient to determine the role of this variant in disease conclusively. Therefore, this variant is classified as a Variant of Uncertain Significance.

Quest Diagnostics Nichols Institute San Juan Capistrano
Classification: Uncertain significance. Last evaluated: 2017-06-21. Review status: criteria provided, single submitter. Criteria: Quest Diagnostics criteria. Collection method: clinical testing. Allele origin: germline.

NM_004360.5(CDH1):c.1645G>A (p.Asp549Asn)

Gene: CDH1 (cadherin 1; plus strand). Cytogenetic location: 16q22.1.
Variant type: single nucleotide variant.
Coding change: c.1645G>A on transcript NM_004360.5 (MANE Select); coding-DNA position 1645, G replaced by A.
Protein change: p.Asp549Asn; replaces aspartic acid 549 with asparagine.
Molecular consequence: missense variant. On other transcripts: intron variant (1).
Genome position (GRCh38, 1-based): chr16:68,819,359, G>A. VCF-style: chr16-68819359-G-A. GRCh37 (hg19) VCF-style: chr16-68853262-G-A.
Other names: c.1645G>A (LRG_301t1); c.1462G>A, p.Asp488Asn (NM_001317184.2); c.97G>A, p.Asp33Asn (NM_001317185.2); c.-254-2642G>A (NM_001317186.2); short protein forms D549N, D33N, D488N.
Identifiers: ClinVar variation 232054 (VCV000232054.22), dbSNP rs876659525, ClinGen allele CA10580128.